The following is an entry in ClinVar:

NM_001429.4(EP300):c.2691G>A (p.Val897=)

Gene: EP300 (E1A binding protein p300; plus strand). Cytogenetic location: 22q13.2.
Variant type: single nucleotide variant.
Coding change: c.2691G>A on transcript NM_001429.4 (MANE Select); coding-DNA position 2691, G replaced by A.
Protein change: p.Val897=; no amino-acid change (valine 897 retained).
Molecular consequence: synonymous variant.
Genome position (GRCh38, 1-based): chr22:41,150,072, G>A. VCF-style: chr22-41150072-G-A. GRCh37 (hg19) VCF-style: chr22-41546076-G-A.
Other names: c.2613G>A, p.Val871= (NM_001362843.2).
Identifiers: ClinVar variation 3351882 (VCV003351882.1).

ClinVar aggregate classification (germline): Likely benign (0 of 4 stars; one submission).

Conditions:
EP300-related disorder. Also called: EP300-related disorders; EP300-related condition.

Submission:

PreventionGenetics, part of Exact Sciences
Classification: Likely benign for EP300-related condition. Last evaluated: 2024-05-23. Review status: no assertion criteria provided. Collection method: clinical testing. Allele origin: germline.
Comment: This variant is classified as likely benign based on ACMG/AMP sequence variant interpretation guidelines (Richards et al. 2015 PMID: 25741868, with internal and published modifications).